The following is an entry in ClinVar:

NM_003590.5(CUL3):c.472del (p.Arg158fs)

Gene: CUL3 (cullin 3; minus strand). Cytogenetic location: 2q36.2.
Variant type: Deletion.
Coding change: c.472del on transcript NM_003590.5 (MANE Select); coding-DNA position 472, one base deleted (A; older notation c.472delA).
Protein change: p.Arg158fs; shifts the reading frame from arginine 158.
Molecular consequence: frameshift variant.
Genome position (GRCh38, 1-based): chr2:224,514,679, T deleted on the plus strand (A on the coding strand, the reverse complement: CUL3 is on the minus strand). VCF-style (leftmost placement, unchanged base first): chr2-224514678-CT-C. GRCh37 (hg19) VCF-style: chr2-225379395-CT-C.
Other names: c.274del, p.Arg92fs (NM_001257197.2); c.490del, p.Arg164fs (NM_001257198.2); short protein forms R164fs, R92fs, R158fs.
Identifiers: ClinVar variation 2847921 (VCV002847921.3), dbSNP rs2470003952, ClinGen allele CA2739279035.

ClinVar aggregate classification (germline): Pathogenic (1 of 4 stars; one submission).

Submission:

Labcorp Genetics (formerly Invitae), Labcorp
Classification: Pathogenic. Last evaluated: 2024-03-15. Review status: criteria provided, single submitter. Criteria: Invitae Variant Classification Sherloc (09022015). Collection method: clinical testing. Allele origin: germline.
Comment: This sequence change creates a premature translational stop signal (p.Arg158Glyfs*11) in the CUL3 gene. It is expected to result in an absent or disrupted protein product. Loss-of-function variants in CUL3 are known to be pathogenic (PMID: 32341456). This variant is not present in population databases (gnomAD no frequency). This variant has not been reported in the literature in individuals affected with CUL3-related conditions. For these reasons, this variant has been classified as Pathogenic.

Literature cited by the submitters: PubMed 32341456.